The following is an entry in ClinVar:

NM_001854.4(COL11A1):c.2556+239C>A

Gene: COL11A1 (collagen type XI alpha 1 chain; minus strand). Cytogenetic location: 1p21.1.
Variant type: single nucleotide variant.
Coding change: c.2556+239C>A on transcript NM_001854.4 (MANE Select); 239 bases into the intron after coding-DNA position 2556, C replaced by A.
Molecular consequence: intron variant.
Genome position (GRCh38, 1-based): chr1:102,983,899, G>T on the plus strand (C>A on the coding strand, the complement: COL11A1 is on the minus strand). VCF-style: chr1-102983899-G-T. GRCh37 (hg19) VCF-style: chr1-103449455-G-T.
Other names: c.2439+239C>A (NM_001190709.2); c.2592+239C>A (NM_080629.3); c.2208+239C>A (NM_080630.4).
Identifiers: ClinVar variation 677963 (VCV000677963.1), dbSNP rs111430380, ClinGen allele CA10812313.

ClinVar aggregate classification (germline): Likely benign (1 of 4 stars; one submission).

Allele frequency attached by ClinVar (database versions not stated): 1000 Genomes Project 0.01817; 1000 Genomes Project 30x 0.01952; TOPMed 0.02327; gnomAD 0.02332 and 0.02394.
gnomAD v4.1: 3,541 of 152,088 alleles (2.3%); highest among the groups gnomAD compares: Middle Eastern, 8.2%; 53 homozygotes.

Submission:

GeneDx
Classification: Likely benign. Last evaluated: 2018-06-14. Review status: criteria provided, single submitter. Criteria: GeneDx Variant Classification (06012015). Collection method: clinical testing. Allele origin: germline. Affected: yes.
Comment: This variant is considered likely benign or benign based on one or more of the following criteria: it is a conservative change, it occurs at a poorly conserved position in the protein, it is predicted to be benign by multiple in silico algorithms, and/or has population frequency not consistent with disease.